The following is an entry in ClinVar:

NM_020366.4(RPGRIP1):c.2148A>C (p.Ala716=)

Gene: RPGRIP1 (RPGR interacting protein 1; plus strand). Cytogenetic location: 14q11.2.
Variant type: single nucleotide variant.
Coding change: c.2148A>C on transcript NM_020366.4 (MANE Select); coding-DNA position 2148, A replaced by C.
Protein change: p.Ala716=; no amino-acid change (alanine 716 retained).
Molecular consequence: synonymous variant. On other transcripts: intron variant (4).
Genome position (GRCh38, 1-based): chr14:21,325,003, A>C. VCF-style: chr14-21325003-A-C. GRCh37 (hg19) VCF-style: chr14-21793162-A-C.
Other names: c.1074A>C, p.Ala358= (NM_001377948.1); c.796+278A>C (NM_001377949.1); c.689-2620A>C (NM_001377523.1, NM_001377950.1); c.191-2620A>C (NM_001377951.1); c.2148A>C (NM_020366.3).
Identifiers: ClinVar variation 1591914 (VCV001591914.9), dbSNP rs781305621, ClinGen allele CA7089164.

ClinVar aggregate classification (germline): Likely benign. Review status: criteria provided, multiple submitters, no conflicts (2 of 4 stars). 2 submissions from 2 submitters: Likely benign (2). Last evaluated 2025-09-10.

Conditions:
Leber congenital amaurosis 6 (LCA6). Identifiers: Orphanet 65, MedGen C1854260, MONDO:0013446, OMIM 613826.
Cone-rod dystrophy 13 (CORD13). Identifiers: Orphanet 1872, MedGen C2750720, MONDO:0011987, OMIM 608194.
RPGRIP1-related disorder. Also called: RPGRIP1-related condition.

Allele frequency attached by ClinVar (database versions not stated): ExAC 0.00002; gnomAD 0.00003; TOPMed 0.00004.
gnomAD v4.1: 72 of 1,613,930 alleles (0.0045%); highest among the groups gnomAD compares: Admixed American, 0.01%; no homozygotes.

Submissions (2):

PreventionGenetics, part of Exact Sciences
Classification: Likely benign for RPGRIP1-related condition. Last evaluated: 2025-09-10. Review status: criteria provided, single submitter. Criteria: ACMG Guidelines, 2015. Collection method: clinical testing. Allele origin: germline.
Comment: This variant is classified as likely benign based on ACMG/AMP sequence variant interpretation guidelines (Richards et al. 2015 PMID: 25741868, with internal and published modifications).

Labcorp Genetics (formerly Invitae), Labcorp
Classification: Likely benign for Leber congenital amaurosis 6; Cone-rod dystrophy 13. Last evaluated: 2024-10-13. Review status: criteria provided, single submitter. Criteria: Invitae Variant Classification Sherloc (09022015). Collection method: clinical testing. Allele origin: germline.